The following is an entry in ClinVar:

NM_018896.5(CACNA1G):c.4967T>C (p.Leu1656Ser)

Gene: CACNA1G (calcium voltage-gated channel subunit alpha1 G; plus strand). Cytogenetic location: 17q21.33.
Variant type: single nucleotide variant.
Coding change: c.4967T>C on transcript NM_018896.5 (MANE Select); coding-DNA position 4967, T replaced by C.
Protein change: p.Leu1656Ser; replaces leucine 1656 with serine.
Molecular consequence: missense variant. On other transcripts: non-coding transcript variant (5).
Genome position (GRCh38, 1-based): chr17:50,616,330, T>C. VCF-style: chr17-50616330-T-C. GRCh37 (hg19) VCF-style: chr17-48693691-T-C.
Other names: c.4913T>C, p.Leu1638Ser (NM_001256324.2, NM_001256328.2, NM_198386.3); c.4988T>C, p.Leu1663Ser (NM_001256325.2); c.4832T>C, p.Leu1611Ser (NM_001256326.2, NM_001256330.2); c.4967T>C, p.Leu1656Ser (NM_001256327.2, NM_001256333.2, NM_198384.3 and 1 more transcripts); c.4865T>C, p.Leu1622Ser (NM_001256329.2, NM_198376.3, NM_198379.3 and 2 more transcripts); c.4811T>C, p.Leu1604Ser (NM_001256331.2); c.4796T>C, p.Leu1599Ser (NM_001256332.2); c.4934T>C, p.Leu1645Ser (NM_001256334.2, NM_198377.3, NM_198378.3 and 1 more transcripts); and 5 more; short protein forms L1599S, L1604S, L1611S, L1615S, L1618S, L1620S, L1622S, L1629S.
Identifiers: ClinVar variation 1311541 (VCV001311541.3), dbSNP rs2050594168, ClinGen allele CA400262030.

ClinVar aggregate classification (germline): Uncertain significance (1 of 4 stars; one submission).

Submission:

GeneDx
Classification: Uncertain significance. Last evaluated: 2022-05-26. Review status: criteria provided, single submitter. Criteria: GeneDx Variant Classification Process June 2021. Collection method: clinical testing. Allele origin: germline. Affected: yes.
Comment: Not observed at significant frequency in large population cohorts (gnomAD); In silico analysis supports that this missense variant has a deleterious effect on protein structure/function; Has not been previously published as pathogenic or benign to our knowledge